The following is an entry in ClinVar:

NM_001558.4(IL10RA):c.874A>G (p.Thr292Ala)

Gene: IL10RA (interleukin 10 receptor subunit alpha; plus strand). Cytogenetic location: 11q23.3.
Variant type: single nucleotide variant.
Coding change: c.874A>G on transcript NM_001558.4 (MANE Select); coding-DNA position 874, A replaced by G.
Protein change: p.Thr292Ala; replaces threonine 292 with alanine.
Molecular consequence: missense variant. On other transcripts: non-coding transcript variant (1).
Genome position (GRCh38, 1-based): chr11:117,998,778, A>G. VCF-style: chr11-117998778-A-G. GRCh37 (hg19) VCF-style: chr11-117869493-A-G.
Other names: short protein forms T292A.
Identifiers: ClinVar variation 2115340 (VCV002115340.2), dbSNP rs2496791642, ClinGen allele CA382778898.

ClinVar aggregate classification (germline): Uncertain significance (1 of 4 stars; one submission).

Conditions:
Inflammatory bowel disease 28. Also called: Inflammatory bowel disease 28, early onset, autosomal recessive. Identifiers: Orphanet 238569, MedGen C2751053, MONDO:0013153, OMIM 613148.

Allele frequency attached by ClinVar (database versions not stated): gnomAD exomes below 0.00001.

Submission:

Labcorp Genetics (formerly Invitae), Labcorp
Classification: Uncertain significance for Inflammatory bowel disease 28. Last evaluated: 2022-03-20. Review status: criteria provided, single submitter. Criteria: Invitae Variant Classification Sherloc (09022015). Collection method: clinical testing. Allele origin: germline.
Comment: In summary, the available evidence is currently insufficient to determine the role of this variant in disease. Therefore, it has been classified as a Variant of Uncertain Significance. Algorithms developed to predict the effect of missense changes on protein structure and function output the following: SIFT: "Tolerated"; PolyPhen-2: "Benign"; Align-GVGD: "Class C0". The alanine amino acid residue is found in multiple mammalian species, which suggests that this missense change does not adversely affect protein function. This variant has not been reported in the literature in individuals affected with IL10RA-related conditions. This variant is not present in population databases (gnomAD no frequency). This sequence change replaces threonine, which is neutral and polar, with alanine, which is neutral and non-polar, at codon 292 of the IL10RA protein (p.Thr292Ala).